The following is an entry in ClinVar:

ClinVar aggregate classification (germline): Uncertain significance (1 of 4 stars; one submission).

Allele frequency attached by ClinVar (database versions not stated): gnomAD exomes below 0.00001.
gnomAD v4.1: 3 of 1,533,032 alleles (0.0002%); highest among the groups gnomAD compares: Non-Finnish European, 0.00026%; no homozygotes.

Submission:

Labcorp Genetics (formerly Invitae), Labcorp
Classification: Uncertain significance. Last evaluated: 2023-12-06. Review status: criteria provided, single submitter. Criteria: Invitae Variant Classification Sherloc (09022015). Collection method: clinical testing. Allele origin: germline.
Comment: This sequence change replaces asparagine, which is neutral and polar, with histidine, which is basic and polar, at codon 747 of the BCL11B protein (p.Asn747His). This variant is not present in population databases (gnomAD no frequency). This variant has not been reported in the literature in individuals affected with BCL11B-related conditions. Advanced modeling of protein sequence and biophysical properties (such as structural, functional, and spatial information, amino acid conservation, physicochemical variation, residue mobility, and thermodynamic stability) has been performed at Invitae for this missense variant, however the output from this modeling did not meet the statistical confidence thresholds required to predict the impact of this variant on BCL11B protein function. In summary, the available evidence is currently insufficient to determine the role of this variant in disease. Therefore, it has been classified as a Variant of Uncertain Significance.

NM_138576.4(BCL11B):c.2239A>C (p.Asn747His)

Gene: BCL11B (BCL11 transcription factor B; minus strand). Cytogenetic location: 14q32.2.
Variant type: single nucleotide variant.
Coding change: c.2239A>C on transcript NM_138576.4 (MANE Select); coding-DNA position 2239, A replaced by C.
Protein change: p.Asn747His; replaces asparagine 747 with histidine.
Molecular consequence: missense variant.
Genome position (GRCh38, 1-based): chr14:99,174,597, T>G on the plus strand (A>C on the coding strand, the complement: BCL11B is on the minus strand). VCF-style: chr14-99174597-T-G. GRCh37 (hg19) VCF-style: chr14-99640934-T-G.
Other names: c.2236A>C, p.Asn746His (NM_001282237.2); c.2023A>C, p.Asn675His (NM_001282238.2); c.2026A>C, p.Asn676His (NM_022898.3); short protein forms N676H, N746H, N747H, N675H.
Identifiers: ClinVar variation 2765576 (VCV002765576.3), dbSNP rs2503638152, ClinGen allele CA390933661.